The following is an entry in ClinVar:

ClinVar aggregate classification (germline): Uncertain significance (1 of 4 stars; one submission).

Allele frequency attached by ClinVar (database versions not stated): gnomAD exomes below 0.00001; gnomAD 0.00001; TOPMed 0.00001.

Submission:

Dr. med. U. Finckh, Human Genetics, Eurofins MVZ
Classification: Uncertain significance. Last evaluated: 2023-08-24. Review status: criteria provided, single submitter. Criteria: ACMG Guidelines, 2015. Collection method: clinical testing. Allele origin: unknown. Observed: 1 heterozygote.
Comment: Currently, the evidence for a pathogenic relevance of PMS1 LOF variants is insufficient.

NM_000534.5(PMS1):c.1258del (p.His420fs)

Gene: PMS1 (PMS1 homolog 1, mismatch repair system component; plus strand). Cytogenetic location: 2q32.2.
Variant type: Deletion.
Coding change: c.1258del on transcript NM_000534.5 (MANE Select); coding-DNA position 1258, one base deleted (C; older notation c.1258delC).
Protein change: p.His420fs; shifts the reading frame from histidine 420.
Molecular consequence: frameshift variant. On other transcripts: non-coding transcript variant (1).
Genome position (GRCh38, 1-based): chr2:189,854,530, C deleted. VCF-style (leftmost placement, unchanged base first): chr2-189854529-TC-T. GRCh37 (hg19) VCF-style: chr2-190719255-TC-T.
Other names: c.1141del, p.His381fs (NM_001128143.2, NM_001321044.2); c.1258del, p.His420fs (NM_001128144.2, NM_001321045.2, NM_001321047.2 and 1 more transcripts); c.730del, p.His244fs (NM_001289408.2, NM_001289409.2); c.1075del, p.His359fs (NM_001321046.2); short protein forms H244fs, H359fs, H381fs, H420fs.
Identifiers: ClinVar variation 2580959 (VCV002580959.1), dbSNP rs1351777223, ClinGen allele CA762306953.